The following is an entry in ClinVar:

ClinVar aggregate classification (germline): Uncertain significance (1 of 4 stars; one submission).

Allele frequency attached by ClinVar (database versions not stated): gnomAD 0.00001; TOPMed 0.00002.

Submission:

GeneDx
Classification: Uncertain significance. Last evaluated: 2022-06-07. Review status: criteria provided, single submitter. Criteria: GeneDx Variant Classification Process June 2021. Collection method: clinical testing. Allele origin: germline. Affected: yes.
Comment: Not observed at significant frequency in large population cohorts (gnomAD); Has not been previously published as pathogenic or benign to our knowledge; Frameshift variant predicted to result in protein truncation or nonsense mediated decay in a gene for which loss-of-function is not a known mechanism of disease

NM_005554.4(KRT6A):c.1316del (p.Gln439fs)

Gene: KRT6A (keratin 6A; minus strand). Cytogenetic location: 12q13.13.
Variant type: Deletion.
Coding change: c.1316del on transcript NM_005554.4 (MANE Select); coding-DNA position 1316, one base deleted (A; older notation c.1316delA).
Protein change: p.Gln439fs; shifts the reading frame from glutamine 439.
Molecular consequence: frameshift variant.
Genome position (GRCh38, 1-based): chr12:52,488,436, T deleted on the plus strand (A on the coding strand, the reverse complement: KRT6A is on the minus strand). VCF-style (leftmost placement, unchanged base first): chr12-52488435-CT-C. GRCh37 (hg19) VCF-style: chr12-52882219-CT-C.
Other names: short protein forms Q439fs.
Identifiers: ClinVar variation 1803647 (VCV001803647.1), dbSNP rs1469944063, ClinGen allele CA689835068.